The following is an entry in ClinVar:

ClinVar aggregate classification (germline): Likely benign (1 of 4 stars; one submission).

Submission:

CeGaT Center for Human Genetics Tuebingen
Classification: Likely benign. Last evaluated: 2023-11-01. Review status: criteria provided, single submitter. Criteria: CeGaT Center For Human Genetics Tuebingen Variant Classification Criteria Version 2. Collection method: clinical testing. Allele origin: germline. Affected: yes. Observed: 1 variant allele.
Comment: NBEA: PM2:Supporting, BP4, BP7

NM_001385012.1(NBEA):c.6708A>T (p.Ser2236=)

Gene: NBEA (neurobeachin; plus strand). Cytogenetic location: 13q13.3.
Variant type: single nucleotide variant.
Coding change: c.6708A>T on transcript NM_001385012.1 (MANE Select); coding-DNA position 6708, A replaced by T.
Protein change: p.Ser2236=; no amino-acid change (serine 2236 retained).
Molecular consequence: synonymous variant.
Genome position (GRCh38, 1-based): chr13:35,550,934, A>T. VCF-style: chr13-35550934-A-T. GRCh37 (hg19) VCF-style: chr13-36125071-A-T.
Other names: c.87A>T, p.Ser29= (NM_001204197.3); c.6699A>T, p.Ser2233= (NM_001379245.1); c.6708A>T, p.Ser2236= (NM_015678.5).
Identifiers: ClinVar variation 2672542 (VCV002672542.23), dbSNP rs770029065, ClinGen allele CA483208745.
Genomic context (GRCh38, chr13:35,550,934, plus strand): 5'-GATGGCTAACTTATCCTGCGGTTTTCTAAACTCTGTTTTTTTTCTTCTTACCACAGCCTC[A>T]GTTATGTTTAATTTCCCTGATCAAGCAACAGTAAAAAAAGTTGTCTATAGCTTGCCTCGG-3'
Protein context (NP_001371941.1, residues 2226-2246): ALEVFMANRT[Ser2236=]VMFNFPDQAT